The following is an entry in ClinVar:

NM_001005337.3(PKP1):c.1258C>T (p.Arg420Cys)

Gene: PKP1 (plakophilin 1; plus strand). Cytogenetic location: 1q32.1.
Variant type: single nucleotide variant.
Coding change: c.1258C>T on transcript NM_001005337.3 (MANE Select); coding-DNA position 1258, C replaced by T.
Protein change: p.Arg420Cys; replaces arginine 420 with cysteine.
Molecular consequence: missense variant.
Genome position (GRCh38, 1-based): chr1:201,320,292, C>T. VCF-style: chr1-201320292-C-T. GRCh37 (hg19) VCF-style: chr1-201289420-C-T.
Other names: c.1321C>T, p.Arg441Cys (NM_000299.4); short protein forms R420C, R441C.
Identifiers: ClinVar variation 875043 (VCV000875043.14), dbSNP rs146785756, ClinGen allele CA1324393.

ClinVar aggregate classification (germline): Uncertain significance. Review status: criteria provided, multiple submitters, no conflicts (2 of 4 stars). 2 submissions from 2 submitters: Uncertain significance (2). Last evaluated 2025-06-01.

Conditions:
Epidermolysis bullosa simplex due to plakophilin deficiency. Also called: MCGRATH SYNDROME. Identifiers: Orphanet 158668, MedGen C1858302, MONDO:0011472, OMIM 604536.

Allele frequency attached by ClinVar (database versions not stated): ExAC 0.00002; gnomAD exomes 0.00004; TOPMed 0.00005; ESP Exome Variant Server 0.00008.
gnomAD v4.1: 119 of 1,613,680 alleles (0.0074%); highest among the groups gnomAD compares: Non-Finnish European, 0.0097%; no homozygotes.

Submissions (2):

CeGaT Center for Human Genetics Tuebingen
Classification: Uncertain significance. Last evaluated: 2025-06-01. Review status: criteria provided, single submitter. Criteria: CeGaT Center For Human Genetics Tuebingen Variant Classification Criteria Version 2. Collection method: clinical testing. Allele origin: germline. Affected: yes. Observed: 1 variant allele.
Comment: PKP1: PM2

Illumina Laboratory Services, Illumina
Classification: Uncertain significance for Epidermolysis bullosa simplex due to plakophilin deficiency. Last evaluated: 2017-04-28. Review status: criteria provided, single submitter. Criteria: ICSL Variant Classification Criteria 13 December 2019. Collection method: clinical testing. Allele origin: germline.